The following is an entry in ClinVar:

NM_004370.6(COL12A1):c.7777C>T (p.Pro2593Ser)

Gene: COL12A1 (collagen type XII alpha 1 chain; minus strand). Cytogenetic location: 6q13.
Variant type: single nucleotide variant.
Coding change: c.7777C>T on transcript NM_004370.6 (MANE Select); coding-DNA position 7777, C replaced by T.
Protein change: p.Pro2593Ser; replaces proline 2593 with serine.
Molecular consequence: missense variant.
Genome position (GRCh38, 1-based): chr6:75,113,665, G>A on the plus strand (C>T on the coding strand, the complement: COL12A1 is on the minus strand). VCF-style: chr6-75113665-G-A. GRCh37 (hg19) VCF-style: chr6-75823381-G-A.
Other names: c.4285C>T, p.Pro1429Ser (NM_080645.3); short protein forms P1429S, P2593S.
Identifiers: ClinVar variation 2136245 (VCV002136245.1), dbSNP rs1768942883, ClinGen allele CA364744319.

ClinVar aggregate classification (germline): Uncertain significance (1 of 4 stars; one submission).

Submission:

GeneDx
Classification: Uncertain significance. Last evaluated: 2022-07-22. Review status: criteria provided, single submitter. Criteria: GeneDx Variant Classification Process June 2021. Collection method: clinical testing. Allele origin: germline. Affected: yes.
Comment: Not observed at significant frequency in large population cohorts (gnomAD); In silico analysis supports that this missense variant has a deleterious effect on protein structure/function; Has not been previously published as pathogenic or benign to our knowledge